The following is an entry in ClinVar:

ClinVar aggregate classification (germline): Uncertain significance (1 of 4 stars; one submission).

Submission:

Labcorp Genetics (formerly Invitae), Labcorp
Classification: Uncertain significance. Last evaluated: 2024-02-17. Review status: criteria provided, single submitter. Criteria: Invitae Variant Classification Sherloc (09022015). Collection method: clinical testing. Allele origin: germline.
Comment: This sequence change replaces glutamic acid, which is acidic and polar, with valine, which is neutral and non-polar, at codon 394 of the C1S protein (p.Glu394Val). This variant is not present in population databases (gnomAD no frequency). This variant has not been reported in the literature in individuals affected with C1S-related conditions. ClinVar contains an entry for this variant (Variation ID: 2127818). Advanced modeling of protein sequence and biophysical properties (such as structural, functional, and spatial information, amino acid conservation, physicochemical variation, residue mobility, and thermodynamic stability) performed at Invitae indicates that this missense variant is not expected to disrupt C1S protein function with a negative predictive value of 80%. Algorithms developed to predict the effect of sequence changes on RNA splicing suggest that this variant may disrupt the consensus splice site. In summary, the available evidence is currently insufficient to determine the role of this variant in disease. Therefore, it has been classified as a Variant of Uncertain Significance.

NM_001734.5(C1S):c.1181A>T (p.Glu394Val)

Gene: C1S (complement C1s; plus strand). Cytogenetic location: 12p13.31.
Variant type: single nucleotide variant.
Coding change: c.1181A>T on transcript NM_001734.5 (MANE Select); coding-DNA position 1181, A replaced by T.
Protein change: p.Glu394Val; replaces glutamic acid 394 with valine.
Molecular consequence: missense variant.
Genome position (GRCh38, 1-based): chr12:7,067,757, A>T. VCF-style: chr12-7067757-A-T. GRCh37 (hg19) VCF-style: chr12-7175061-A-T.
Other names: c.680A>T, p.Glu227Val (NM_001346850.2); c.1181A>T, p.Glu394Val (NM_201442.4); short protein forms E227V, E394V.
Identifiers: ClinVar variation 2127818 (VCV002127818.4), dbSNP rs2539603528, ClinGen allele CA383701355.